The following is an entry in ClinVar:

NM_000384.3(APOB):c.8755A>G (p.Ile2919Val)

Gene: APOB (apolipoprotein B; minus strand). Cytogenetic location: 2p24.1.
Variant type: single nucleotide variant.
Coding change: c.8755A>G on transcript NM_000384.3 (MANE Select); coding-DNA position 8755, A replaced by G.
Protein change: p.Ile2919Val; replaces isoleucine 2919 with valine.
Molecular consequence: missense variant.
Genome position (GRCh38, 1-based): chr2:21,008,113, T>C on the plus strand (A>G on the coding strand, the complement: APOB is on the minus strand). VCF-style: chr2-21008113-T-C. GRCh37 (hg19) VCF-style: chr2-21230985-T-C.
Other names: short protein forms I2919V.
Identifiers: ClinVar variation 2931797 (VCV002931797.4), dbSNP rs752401914, ClinGen allele CA065966.

ClinVar aggregate classification (germline): Conflicting classifications of pathogenicity. Review status: criteria provided, conflicting classifications (1 of 4 stars). 2 submissions from 2 submitters: Uncertain significance (1); Likely benign (1). Last evaluated 2023-10-27.

Conditions:
Cardiovascular phenotype. Identifiers: MedGen CN230736.
Familial hypobetalipoproteinemia 1. Also called: APOB-Related Familial Hypobetalipoproteinemia; Hypobetalipoproteinemia, normotriglyceridemic; Acanthocytosis with hypobetalipoproteinemia. Identifiers: MedGen C4551990, MONDO:0014252, OMIM 615558.
Hypercholesterolemia, autosomal dominant, type B (FHCL2). Also called: Familial Hypercholesterolemia Type B; APOLIPOPROTEIN B-100, FAMILIAL DEFECTIVE; APOLIPOPROTEIN B-100, FAMILIAL LIGAND-DEFECTIVE; HYPERCHOLESTEROLEMIA, FAMILIAL, DUE TO LIGAND-DEFECTIVE APOLIPOPROTEIN B; Hyperlipoproteinemia Type IIb; Familial hypercholesterolemia 2. Identifiers: MedGen C1704417, MONDO:0007751, OMIM 144010.

Allele frequency attached by ClinVar (database versions not stated): ExAC 0.00001; gnomAD exomes 0.00001.
gnomAD v4.1: 4 of 1,614,084 alleles (0.00025%); highest among the groups gnomAD compares: Admixed American, 0.0017%; no homozygotes.

Submissions (2):

Ambry Genetics
Classification: Likely benign for Cardiovascular phenotype. Last evaluated: 2023-10-27. Review status: criteria provided, single submitter. Criteria: Ambry Variant Classification Scheme 2023. Collection method: clinical testing. Allele origin: germline.

Labcorp Genetics (formerly Invitae), Labcorp
Classification: Uncertain significance for Familial hypobetalipoproteinemia 1; Hypercholesterolemia, autosomal dominant, type B. Last evaluated: 2022-12-12. Review status: criteria provided, single submitter. Criteria: Invitae Variant Classification Sherloc (09022015). Collection method: clinical testing. Allele origin: germline.
Comment: In summary, the available evidence is currently insufficient to determine the role of this variant in disease. Therefore, it has been classified as a Variant of Uncertain Significance. Advanced modeling of protein sequence and biophysical properties (such as structural, functional, and spatial information, amino acid conservation, physicochemical variation, residue mobility, and thermodynamic stability) performed at Invitae indicates that this missense variant is not expected to disrupt APOB protein function. ClinVar contains an entry for this variant (Variation ID: 922578). This variant has not been reported in the literature in individuals affected with APOB-related conditions. This variant is present in population databases (rs752401914, gnomAD 0.002%). This sequence change replaces isoleucine, which is neutral and non-polar, with valine, which is neutral and non-polar, at codon 2919 of the APOB protein (p.Ile2919Val).